The following is an entry in ClinVar:

ClinVar aggregate classification (germline): Conflicting classifications of pathogenicity. Review status: criteria provided, conflicting classifications (1 of 4 stars). 3 submissions from 3 submitters: Likely pathogenic (1); Uncertain significance (2). Last evaluated 2025-05-01.

Conditions:
Neurodevelopmental disorder with or without variable brain abnormalities; NEDBA. Also called: NEURODEVELOPMENTAL DISORDER WITH OR WITHOUT VARIABLE BRAIN ABNORMALITIES. Identifiers: MedGen C5193102, MONDO:0032755, OMIM 618443.

Submissions (3):

CeGaT Center for Human Genetics Tuebingen
Classification: Uncertain significance. Last evaluated: 2025-05-01. Review status: criteria provided, single submitter. Criteria: CeGaT Center For Human Genetics Tuebingen Variant Classification Criteria Version 2. Collection method: clinical testing. Allele origin: germline. Affected: yes. Observed: 1 variant allele.
Comment: MAPK8IP3: PM2

SIB Swiss Institute of Bioinformatics
Classification: Uncertain significance for Neurodevelopmental disorder with or without variable brain abnormalities; NEDBA. Last evaluated: 2019-10-02. Review status: criteria provided, single submitter. Criteria: ACMG Guidelines, 2015. Collection method: curation. Allele origin: unknown.
Comment: This variant is interpreted as a variant of uncertain significance for Neurodevelopmental disorder with or without variable brain abnormalities, autosomal dominant. The following ACMG Tag(s) were applied: PM2, PP3.

Institute of Human Genetics, University of Leipzig Medical Center
Classification: Likely pathogenic for Neurodevelopmental disorder with or without variable brain abnormalities; NEDBA. Last evaluated: 2019-02-07. Review status: criteria provided, single submitter. Criteria: ACMG Guidelines, 2015. Collection method: clinical testing. Allele origin: de novo. Affected: yes.
Comment: This variant was identified as de novo (maternity and paternity confirmed).

Literature cited by the submitters: PubMed 30612693 (cited by SIB Swiss Institute of Bioinformatics and Institute of Human Genetics, University of Leipzig Medical Center).

NM_001318852.2(MAPK8IP3):c.2985C>G (p.His995Gln)

Gene: MAPK8IP3 (mitogen-activated protein kinase 8 interacting protein 3; plus strand). Cytogenetic location: 16p13.3.
Variant type: single nucleotide variant.
Coding change: c.2985C>G on transcript NM_001318852.2 (MANE Select); coding-DNA position 2985, C replaced by G.
Protein change: p.His995Gln; replaces histidine 995 with glutamine.
Molecular consequence: missense variant.
Genome position (GRCh38, 1-based): chr16:1,766,768, C>G. VCF-style: chr16-1766768-C-G. GRCh37 (hg19) VCF-style: chr16-1816769-C-G.
Other names: c.2964C>G, p.His988Gln (NM_001040439.2); c.2982C>G, p.His994Gln (NM_015133.5); c.2982C>G (NM_015133.3); short protein forms H988Q, H994Q, H995Q.
Identifiers: ClinVar variation 805864 (VCV000805864.15), dbSNP rs1163583945, ClinGen allele CA394236956.